The following is an entry in ClinVar:

NM_017654.4(SAMD9):c.3134G>T (p.Gly1045Val)

Gene: SAMD9 (sterile alpha motif domain containing 9; minus strand). Cytogenetic location: 7q21.2.
Variant type: single nucleotide variant.
Coding change: c.3134G>T on transcript NM_017654.4 (MANE Select); coding-DNA position 3134, G replaced by T.
Protein change: p.Gly1045Val; replaces glycine 1045 with valine.
Molecular consequence: missense variant.
Genome position (GRCh38, 1-based): chr7:93,102,964, C>A on the plus strand (G>T on the coding strand, the complement: SAMD9 is on the minus strand). VCF-style: chr7-93102964-C-A. GRCh37 (hg19) VCF-style: chr7-92732277-C-A.
Other names: c.3134G>T, p.Gly1045Val (NM_001193307.2); c.3134G>T (NM_017654.3); short protein forms G1045V.
Identifiers: ClinVar variation 2003430 (VCV002003430.4), dbSNP rs576422045, ClinGen allele CA368188734.

ClinVar aggregate classification (germline): Uncertain significance. Review status: criteria provided, multiple submitters, no conflicts (2 of 4 stars). 2 submissions from 2 submitters: Uncertain significance (2). Last evaluated 2025-02-22.

Conditions:
Inborn genetic diseases. Identifiers: MedGen C0950123, MeSH D030342.

Allele frequency attached by ClinVar (database versions not stated): gnomAD exomes below 0.00001.
gnomAD v4.1: 4 of 1,612,458 alleles (0.00025%); highest among the groups gnomAD compares: East Asian, 0.0022%; no homozygotes.

Submissions (2):

Ambry Genetics
Classification: Uncertain significance for Inborn genetic diseases. Last evaluated: 2025-02-22. Review status: criteria provided, single submitter. Criteria: Ambry Variant Classification Scheme 2023. Collection method: clinical testing. Allele origin: germline.
Comment: The p.G1045V variant (also known as c.3134G>T), located in coding exon 1 of the SAMD9 gene, results from a G to T substitution at nucleotide position 3134. The glycine at codon 1045 is replaced by valine, an amino acid with dissimilar properties. This amino acid position is conserved. In addition, this alteration is predicted to be tolerated by in silico analysis. Based on the available evidence, the clinical significance of this variant remains unclear.

Labcorp Genetics (formerly Invitae), Labcorp
Classification: Uncertain significance. Last evaluated: 2023-04-24. Review status: criteria provided, single submitter. Criteria: Invitae Variant Classification Sherloc (09022015). Collection method: clinical testing. Allele origin: germline.
Comment: In summary, the available evidence is currently insufficient to determine the role of this variant in disease. Therefore, it has been classified as a Variant of Uncertain Significance. Advanced modeling of protein sequence and biophysical properties (such as structural, functional, and spatial information, amino acid conservation, physicochemical variation, residue mobility, and thermodynamic stability) performed at Invitae indicates that this missense variant is not expected to disrupt SAMD9 protein function. ClinVar contains an entry for this variant (Variation ID: 2003430). This variant has not been reported in the literature in individuals affected with SAMD9-related conditions. This variant is not present in population databases (gnomAD no frequency). This sequence change replaces glycine, which is neutral and non-polar, with valine, which is neutral and non-polar, at codon 1045 of the SAMD9 protein (p.Gly1045Val).